The following is an entry in ClinVar:

NM_001081.4(CUBN):c.*134G>A

Gene: CUBN (cubilin; minus strand). Cytogenetic location: 10p13.
Variant type: single nucleotide variant.
Coding change: c.*134G>A on transcript NM_001081.4 (MANE Select); 134 bases downstream of the stop codon, G replaced by A.
Molecular consequence: 3 prime UTR variant.
Genome position (GRCh38, 1-based): chr10:16,824,841, C>T on the plus strand (G>A on the coding strand, the complement: CUBN is on the minus strand). VCF-style: chr10-16824841-C-T. GRCh37 (hg19) VCF-style: chr10-16866840-C-T.
Other names: NC_000010.10:g.16866840C>T.
Identifiers: ClinVar variation 299351 (VCV000299351.8), dbSNP rs780636, ClinGen allele CA10635347.
Genomic context (GRCh38, chr10:16,824,841, plus strand): 5'-AAGTGCTGAGAATACAGGGGGGTGAGCCACCACGCCTGGCCTACAAATATTGATTCTATC[C>T]ATGGTTTGGTGAAAAACCATACAAGTTCAGCTTATTCTCTGTGGCATCAGCAGGGGTCAT-3'

ClinVar aggregate classification (germline): Benign. Review status: criteria provided, multiple submitters, no conflicts (2 of 4 stars). 3 submissions from 3 submitters: Benign (3). Last evaluated 2018-07-07.

Conditions:
Imerslund-Grasbeck syndrome type 1 (IGS1). Also called: Megaloblastic anemia 1, Finnish type; MEGALOBLASTIC ANEMIA, 1; Imerslund-Gräsbeck syndrome 1. Identifiers: MedGen C4016819, MONDO:0100156, OMIM 261100.

Allele frequency attached by ClinVar (database versions not stated): gnomAD 0.12332 and 0.12746; gnomAD exomes 0.15687; 1000 Genomes Project 0.15855; TOPMed 0.13089; 1000 Genomes Project 30x 0.15615.
gnomAD v4.1: 108,420 of 725,722 alleles (15%); highest among the groups gnomAD compares: East Asian, 34%; 10,494 homozygotes.

Submissions (8):

GeneDx
Classification: Benign. Last evaluated: 2018-07-07. Review status: criteria provided, single submitter. Criteria: GeneDx Variant Classification Process June 2021. Collection method: clinical testing. Allele origin: germline. Affected: yes.

Illumina Laboratory Services, Illumina
Classification: Benign for Imerslund-Grasbeck syndrome type 1. Last evaluated: 2018-01-12. Review status: criteria provided, single submitter. Criteria: ICSL Variant Classification Criteria 13 December 2019. Collection method: clinical testing. Allele origin: germline.
Comment: This variant was observed in the ICSL laboratory as part of a predisposition screen in an ostensibly healthy population. It had not been previously curated by ICSL or reported in the Human Gene Mutation Database (HGMD: prior to June 1st, 2018), and was therefore a candidate for classification through an automated scoring system. Utilizing variant allele frequency, disease prevalence and penetrance estimates, and inheritance mode, an automated score was calculated to assess if this variant is too frequent to cause the disease. Based on the score and internal cut-off values, a variant classified as benign is not then subjected to further curation. The score for this variant resulted in a classification of benign for this disease.

Breakthrough Genomics
Classification: Benign. Review status: criteria provided, single submitter. Criteria: ACMG Guidelines, 2015. Collection method: not provided. Allele origin: germline. Inheritance: Autosomal recessive inheritance. Affected: yes.

Dr. Peter K. Rogan Lab, Western University
No classification provided (evidence only). Condition: Thyroid cancer, nonmedullary, 1. Review status: no classification provided. Collection method: in vitro. Allele origin: not applicable. Functional consequence: retained intron. Not counted in ClinVar's aggregate classification.

Dr. Peter K. Rogan Lab, Western University
No classification provided (evidence only). Condition: Thyroid cancer, nonmedullary, 1. Review status: no classification provided. Collection method: in vitro. Allele origin: not applicable. Functional consequence: retained intron. Not counted in ClinVar's aggregate classification.

Dr. Peter K. Rogan Lab, Western University
No classification provided (evidence only). Condition: Thyroid cancer, nonmedullary, 1. Review status: no classification provided. Collection method: in vitro. Allele origin: not applicable. Functional consequence: retained intron. Not counted in ClinVar's aggregate classification.

Dr. Peter K. Rogan Lab, Western University
No classification provided (evidence only). Condition: Nonpapillary renal cell carcinoma. Review status: no classification provided. Collection method: in vitro. Allele origin: not applicable. Functional consequence: retained intron. Not counted in ClinVar's aggregate classification.

Dr. Peter K. Rogan Lab, Western University
No classification provided (evidence only). Condition: Cholangiocarcinoma. Review status: no classification provided. Collection method: in vitro. Allele origin: not applicable. Functional consequence: retained intron. Not counted in ClinVar's aggregate classification.